The following is an entry in ClinVar:

NM_003998.4(NFKB1):c.1153G>A (p.Gly385Ser)

Gene: NFKB1 (nuclear factor kappa B subunit 1; plus strand). Cytogenetic location: 4q24.
Variant type: single nucleotide variant.
Coding change: c.1153G>A on transcript NM_003998.4 (MANE Select); coding-DNA position 1153, G replaced by A.
Protein change: p.Gly385Ser; replaces glycine 385 with serine.
Molecular consequence: missense variant.
Genome position (GRCh38, 1-based): chr4:102,593,511, G>A. VCF-style: chr4-102593511-G-A. GRCh37 (hg19) VCF-style: chr4-103514668-G-A.
Other names: c.1150G>A, p.Gly384Ser (NM_001165412.2, NM_001319226.2, NM_001382627.1); c.1153G>A, p.Gly385Ser (NM_001382625.1, NM_001382626.1); c.1111G>A, p.Gly371Ser (NM_001382628.1); c.1153G>A (NM_003998.3); short protein forms G371S, G384S, G385S.
Identifiers: ClinVar variation 2972874 (VCV002972874.4), dbSNP rs376020000, ClinGen allele CA3026081.

ClinVar aggregate classification (germline): Uncertain significance. Review status: criteria provided, multiple submitters, no conflicts (2 of 4 stars). 2 submissions from 2 submitters: Uncertain significance (2). Last evaluated 2026-03-17.

Allele frequency attached by ClinVar (database versions not stated): gnomAD 0.00001; gnomAD exomes 0.00001; TOPMed 0.00001; ExAC 0.00002; ESP Exome Variant Server 0.00008.
gnomAD v4.1: 16 of 1,613,504 alleles (0.00099%); highest among the groups gnomAD compares: Non-Finnish European, 0.0013%; no homozygotes.

Submissions (2):

GeneDx
Classification: Uncertain significance. Last evaluated: 2026-03-17. Review status: criteria provided, single submitter. Criteria: GeneDx Variant Classification Process June 2021. Collection method: clinical testing. Allele origin: germline.
Comment: Reported in a patient with immune thrombocytopenia; however, additional clinical information was not provided (PMID: 41098106); Not observed at significant frequency in large population cohorts (gnomAD); In silico analysis suggests that this missense variant does not alter protein structure/function; This variant is associated with the following publications: (PMID: 41098106)

Labcorp Genetics (formerly Invitae), Labcorp
Classification: Uncertain significance. Last evaluated: 2024-07-31. Review status: criteria provided, single submitter. Criteria: Invitae Variant Classification Sherloc (09022015). Collection method: clinical testing. Allele origin: germline.
Comment: This sequence change replaces glycine, which is neutral and non-polar, with serine, which is neutral and polar, at codon 385 of the NFKB1 protein (p.Gly385Ser). This variant is present in population databases (rs376020000, gnomAD 0.0009%). This variant has not been reported in the literature in individuals affected with NFKB1-related conditions. Advanced modeling of protein sequence and biophysical properties (such as structural, functional, and spatial information, amino acid conservation, physicochemical variation, residue mobility, and thermodynamic stability) performed at Invitae indicates that this missense variant is not expected to disrupt NFKB1 protein function with a negative predictive value of 80%. In summary, the available evidence is currently insufficient to determine the role of this variant in disease. Therefore, it has been classified as a Variant of Uncertain Significance.